The following is an entry in ClinVar:

ClinVar aggregate classification (germline): Uncertain significance. Review status: criteria provided, multiple submitters, no conflicts (2 of 4 stars). 2 submissions from 2 submitters: Uncertain significance (2). Last evaluated 2025-01-23.

Conditions:
Hereditary cancer-predisposing syndrome. Also called: Tumor predisposition; Neoplastic Syndromes, Hereditary; Hereditary Cancer Syndrome; Hereditary neoplastic syndrome. Identifiers: Orphanet 140162, MedGen C0027672, MeSH D009386, MONDO:0015356.

Submissions (2):

Ambry Genetics
Classification: Uncertain significance for Hereditary cancer-predisposing syndrome. Last evaluated: 2025-01-23. Review status: criteria provided, single submitter. Criteria: Ambry Variant Classification Scheme 2023. Collection method: clinical testing. Allele origin: germline.
Comment: The p.F1055L variant (also known as c.3163T>C), located in coding exon 23 of the MSH3 gene, results from a T to C substitution at nucleotide position 3163. The phenylalanine at codon 1055 is replaced by leucine, an amino acid with highly similar properties. This amino acid position is conserved. In addition, this alteration is predicted to be deleterious by in silico analysis. Based on the available evidence, the clinical significance of this variant remains unclear.

Labcorp Genetics (formerly Invitae), Labcorp
Classification: Uncertain significance. Last evaluated: 2024-04-04. Review status: criteria provided, single submitter. Criteria: Invitae Variant Classification Sherloc (09022015). Collection method: clinical testing. Allele origin: germline.
Comment: This sequence change replaces phenylalanine, which is neutral and non-polar, with leucine, which is neutral and non-polar, at codon 1055 of the MSH3 protein (p.Phe1055Leu). This variant is not present in population databases (gnomAD no frequency). This variant has not been reported in the literature in individuals affected with MSH3-related conditions. An algorithm developed to predict the effect of missense changes on protein structure and function (PolyPhen-2) suggests that this variant is likely to be disruptive. In summary, the available evidence is currently insufficient to determine the role of this variant in disease. Therefore, it has been classified as a Variant of Uncertain Significance.

NM_002439.5(MSH3):c.3163T>C (p.Phe1055Leu)

Gene: MSH3 (mutS homolog 3; plus strand). Cytogenetic location: 5q14.1.
Variant type: single nucleotide variant.
Coding change: c.3163T>C on transcript NM_002439.5 (MANE Select); coding-DNA position 3163, T replaced by C.
Protein change: p.Phe1055Leu; replaces phenylalanine 1055 with leucine.
Molecular consequence: missense variant.
Genome position (GRCh38, 1-based): chr5:80,873,148, T>C. VCF-style: chr5-80873148-T-C. GRCh37 (hg19) VCF-style: chr5-80168967-T-C.
Other names: c.3163T>C (NM_002439.3); short protein forms F1055L.
Identifiers: ClinVar variation 3698119 (VCV003698119.3).